The following is an entry in ClinVar:

ClinVar aggregate classification (germline): Uncertain significance (1 of 4 stars; one submission).

Submission:

GeneDx
Classification: Uncertain significance. Last evaluated: 2025-01-27. Review status: criteria provided, single submitter. Criteria: GeneDx Variant Classification Process June 2021. Collection method: clinical testing. Allele origin: germline. Affected: yes.
Comment: Not observed at significant frequency in large population cohorts (gnomAD); In silico analysis indicates that this missense variant does not alter protein structure/function; Has not been previously published as pathogenic or benign to our knowledge

NM_001375524.1(TRRAP):c.10295G>C (p.Gly3432Ala)

Gene: TRRAP (transformation/transcription domain associated protein; plus strand). Cytogenetic location: 7q22.1.
Variant type: single nucleotide variant.
Coding change: c.10295G>C on transcript NM_001375524.1 (MANE Select); coding-DNA position 10295, G replaced by C.
Protein change: p.Gly3432Ala; replaces glycine 3432 with alanine.
Molecular consequence: missense variant.
Genome position (GRCh38, 1-based): chr7:98,994,834, G>C. VCF-style: chr7-98994834-G-C. GRCh37 (hg19) VCF-style: chr7-98592457-G-C.
Other names: c.10253G>C, p.Gly3418Ala (NM_001244580.2); c.10166G>C, p.Gly3389Ala (NM_003496.4); short protein forms G3389A, G3418A, G3432A.
Identifiers: ClinVar variation 4071591 (VCV004071591.1).